The following is an entry in ClinVar:

NM_004727.3(SLC24A1):c.258G>A (p.Met86Ile)

Gene: SLC24A1 (solute carrier family 24 member 1; plus strand). Cytogenetic location: 15q22.31.
Variant type: single nucleotide variant.
Coding change: c.258G>A on transcript NM_004727.3 (MANE Select); coding-DNA position 258, G replaced by A.
Protein change: p.Met86Ile; replaces methionine 86 with isoleucine.
Molecular consequence: missense variant.
Genome position (GRCh38, 1-based): chr15:65,624,338, G>A. VCF-style: chr15-65624338-G-A. GRCh37 (hg19) VCF-style: chr15-65916676-G-A.
Other names: c.258G>A, p.Met86Ile (NM_001301031.1, NM_001301032.1, NM_001301033.2); short protein forms M86I.
Identifiers: ClinVar variation 1046209 (VCV001046209.7), dbSNP rs74587373, ClinGen allele CA392912958.
Genomic context (GRCh38, chr15:65,624,338, plus strand): 5'-CCTCTCCAGTGAAGAGATGATGATGATGAGCAGCAGCCCTTCAAAACCTAGCTCCGAAAT[G>A]GGGGGTAAGATGCTGGTACCCCAAGCCTCAGTGGGCAGTGATGAAGCAACACTGAGCATG-3'
Protein context (NP_004718.1, residues 76-96): SSSPSKPSSE[Met86Ile]GGKMLVPQAS

ClinVar aggregate classification (germline): Uncertain significance (1 of 4 stars; one submission).

Allele frequency attached by ClinVar (database versions not stated): gnomAD 0.00004; TOPMed 0.00002.
gnomAD v4.1: 29 of 1,613,536 alleles (0.0018%); highest among the groups gnomAD compares: Non-Finnish European, 0.0024%; no homozygotes.

Submission:

Labcorp Genetics (formerly Invitae), Labcorp
Classification: Uncertain significance. Last evaluated: 2022-08-19. Review status: criteria provided, single submitter. Criteria: Invitae Variant Classification Sherloc (09022015). Collection method: clinical testing. Allele origin: germline.
Comment: Algorithms developed to predict the effect of missense changes on protein structure and function output the following: SIFT: "Tolerated"; PolyPhen-2: "Benign"; Align-GVGD: "Class C0". The isoleucine amino acid residue is found in multiple mammalian species, which suggests that this missense change does not adversely affect protein function. This sequence change replaces methionine, which is neutral and non-polar, with isoleucine, which is neutral and non-polar, at codon 86 of the SLC24A1 protein (p.Met86Ile). This variant is present in population databases (no rsID available, gnomAD 0.007%). This variant has not been reported in the literature in individuals affected with SLC24A1-related conditions. ClinVar contains an entry for this variant (Variation ID: 1046209). In summary, the available evidence is currently insufficient to determine the role of this variant in disease. Therefore, it has been classified as a Variant of Uncertain Significance.